The following is an entry in ClinVar:

ClinVar aggregate classification (germline): Uncertain significance. Review status: criteria provided, multiple submitters, no conflicts (2 of 4 stars). 5 submissions from 5 submitters: Uncertain significance (5). Last evaluated 2025-10-12.

Conditions:
Hereditary spastic paraplegia 7 (SPG7). Also called: Spastic paraplegia 7; Hereditary spastic paraplegia Paraplegin type; SPG7-related neurologic disorder; Autosomal recessive spastic paraplegia type 7; SPASTIC PARAPLEGIA 7, AUTOSOMAL RECESSIVE, WITH OR WITHOUT CEREBELLAR ATAXIA. Identifiers: Orphanet 99013, MedGen C1846564, MONDO:0011803, OMIM 607259.

Allele frequency attached by ClinVar (database versions not stated): ExAC 0.00002; gnomAD exomes 0.00002 and 0.00003; gnomAD 0.00004; TOPMed 0.00004; ESP Exome Variant Server 0.00008.
gnomAD v4.1: 41 of 1,613,790 alleles (0.0025%); highest among the groups gnomAD compares: Middle Eastern, 0.016%; no homozygotes.

Submissions (5):

Labcorp Genetics (formerly Invitae), Labcorp
Classification: Uncertain significance for Hereditary spastic paraplegia 7. Last evaluated: 2025-10-12. Review status: criteria provided, single submitter. Criteria: Invitae Variant Classification Sherloc (09022015). Collection method: clinical testing. Allele origin: germline.
Comment: This sequence change replaces alanine, which is neutral and non-polar, with threonine, which is neutral and polar, at codon 603 of the SPG7 protein (p.Ala603Thr). This variant is present in population databases (rs370852816, gnomAD 0.01%). This missense change has been observed in individual(s) with hereditary spastic paraplegia (PMID: 16534102). ClinVar contains an entry for this variant (Variation ID: 448472). Invitae Evidence Modeling of protein sequence and biophysical properties (such as structural, functional, and spatial information, amino acid conservation, physicochemical variation, residue mobility, and thermodynamic stability) indicates that this missense variant is not expected to disrupt SPG7 protein function with a negative predictive value of 80%. In summary, the available evidence is currently insufficient to determine the role of this variant in disease. Therefore, it has been classified as a Variant of Uncertain Significance.

PROSPAX: an integrated multimodal progression  chart in spastic ataxias, Center for Neurology; Hertie-Institute for Clinical Brain Research
Classification: Uncertain significance for Hereditary spastic paraplegia 7. Last evaluated: 2022-01-01. Review status: criteria provided, single submitter. Criteria: ACMG Guidelines, 2015. Collection method: research. Allele origin: germline. Affected: yes. Observed: 1 variant allele, 1 compound heterozygote.

Illumina Laboratory Services, Illumina
Classification: Uncertain significance for Hereditary spastic paraplegia 7. Last evaluated: 2017-04-28. Review status: criteria provided, single submitter. Criteria: ICSL Variant Classification Criteria 13 December 2019. Collection method: clinical testing. Allele origin: germline.

Athena Diagnostics
Classification: Uncertain significance. Last evaluated: 2017-02-13. Review status: criteria provided, single submitter. Criteria: Athena Diagnostics Criteria. Collection method: clinical testing. Allele origin: germline.

Breakthrough Genomics
Classification: Uncertain significance. Review status: criteria provided, single submitter. Criteria: ACMG Guidelines, 2015. Collection method: not provided. Allele origin: germline. Inheritance: Autosomal recessive inheritance. Affected: yes.

Literature cited by the submitters: PubMed 16534102 (cited by Labcorp Genetics (formerly Invitae), Labcorp and Athena Diagnostics).

NM_003119.4(SPG7):c.1807G>A (p.Ala603Thr)

Gene: SPG7 (SPG7 matrix AAA peptidase subunit, paraplegin; plus strand). Cytogenetic location: 16q24.3.
Variant type: single nucleotide variant.
Coding change: c.1807G>A on transcript NM_003119.4 (MANE Select); coding-DNA position 1807, G replaced by A.
Protein change: p.Ala603Thr; replaces alanine 603 with threonine.
Molecular consequence: missense variant.
Genome position (GRCh38, 1-based): chr16:89,553,006, G>A. VCF-style: chr16-89553006-G-A. GRCh37 (hg19) VCF-style: chr16-89619414-G-A.
Other names: c.1807G>A, p.Ala603Thr (NM_001363850.1); short protein forms A603T.
Identifiers: ClinVar variation 448472 (VCV000448472.13), dbSNP rs370852816, ClinGen allele CA8244426.